The following is an entry in ClinVar:

ClinVar aggregate classification (germline): Likely benign. Review status: criteria provided, multiple submitters, no conflicts (2 of 4 stars). 2 submissions from 2 submitters: Likely benign (2). Last evaluated 2024-08-13.

Allele frequency attached by ClinVar (database versions not stated): gnomAD 0.00011; ExAC 0.00012; TOPMed 0.00017; 1000 Genomes Project 0.00020; 1000 Genomes Project 30x 0.00031.
gnomAD v4.1: 214 of 1,614,060 alleles (0.013%); highest among the groups gnomAD compares: Admixed American, 0.033%; no homozygotes.

Submissions (2):

Blueprint Genetics
Classification: Likely benign. Last evaluated: 2024-08-13. Review status: criteria provided, single submitter. Criteria: ACMG Guidelines, 2015. Collection method: clinical testing. Allele origin: germline.

CeGaT Center for Human Genetics Tuebingen
Classification: Likely benign. Last evaluated: 2023-02-01. Review status: criteria provided, single submitter. Criteria: CeGaT Center For Human Genetics Tuebingen Variant Classification Criteria Version 2. Collection method: clinical testing. Allele origin: germline. Affected: yes. Observed: 1 variant allele.
Comment: CPAMD8: BP4, BP7

NM_015692.5(CPAMD8):c.3004C>T (p.Leu1002=)

Gene: CPAMD8 (C3 and PZP like alpha-2-macroglobulin domain containing 8; minus strand). Cytogenetic location: 19p13.11.
Variant type: single nucleotide variant.
Coding change: c.3004C>T on transcript NM_015692.5 (MANE Select); coding-DNA position 3004, C replaced by T.
Protein change: p.Leu1002=; no amino-acid change (leucine 1002 retained).
Molecular consequence: synonymous variant.
Genome position (GRCh38, 1-based): chr19:16,929,082, G>A on the plus strand (C>T on the coding strand, the complement: CPAMD8 is on the minus strand). VCF-style: chr19-16929082-G-A. GRCh37 (hg19) VCF-style: chr19-17039892-G-A.
Identifiers: ClinVar variation 2649527 (VCV002649527.25), dbSNP rs201306339, ClinGen allele CA9285112.